The following is an entry in ClinVar:

NM_032603.5(LOXL3):c.1939+4A>C

Gene: LOXL3 (lysyl oxidase like 3; minus strand). Cytogenetic location: 2p13.1.
Variant type: single nucleotide variant.
Coding change: c.1939+4A>C on transcript NM_032603.5 (MANE Select); 4 bases into the intron after coding-DNA position 1939, A replaced by C.
Molecular consequence: intron variant.
Genome position (GRCh38, 1-based): chr2:74,534,312, T>G on the plus strand (A>C on the coding strand, the complement: LOXL3 is on the minus strand). VCF-style: chr2-74534312-T-G. GRCh37 (hg19) VCF-style: chr2-74761439-T-G.
Other names: c.1504+4A>C (NM_001289164.3); c.856+4A>C (NM_001289165.2).
Identifiers: ClinVar variation 2092598 (VCV002092598.4), dbSNP rs1320578947, ClinGen allele CA2580068221.

ClinVar aggregate classification (germline): Uncertain significance (1 of 4 stars; one submission).

Submission:

Labcorp Genetics (formerly Invitae), Labcorp
Classification: Uncertain significance. Last evaluated: 2024-11-05. Review status: criteria provided, single submitter. Criteria: Invitae Variant Classification Sherloc (09022015). Collection method: clinical testing. Allele origin: germline.
Comment: This sequence change falls in intron 11 of the LOXL3 gene. It does not directly change the encoded amino acid sequence of the LOXL3 protein. It affects a nucleotide within the consensus splice site. This variant is not present in population databases (gnomAD no frequency). This variant has not been reported in the literature in individuals affected with LOXL3-related conditions. ClinVar contains an entry for this variant (Variation ID: 2092598). Variants that disrupt the consensus splice site are a relatively common cause of aberrant splicing (PMID: 17576681, 9536098). Algorithms developed to predict the effect of sequence changes on RNA splicing suggest that this variant may disrupt the consensus splice site. In summary, the available evidence is currently insufficient to determine the role of this variant in disease. Therefore, it has been classified as a Variant of Uncertain Significance.

Literature cited by the submitters: PubMed 17576681; PubMed 9536098.